The following is an entry in ClinVar:

NM_007317.3(KIF22):c.707C>T (p.Ala236Val)

Gene: KIF22 (kinesin family member 22; plus strand). Cytogenetic location: 16p11.2.
Variant type: single nucleotide variant.
Coding change: c.707C>T on transcript NM_007317.3 (MANE Select); coding-DNA position 707, C replaced by T.
Protein change: p.Ala236Val; replaces alanine 236 with valine.
Molecular consequence: missense variant.
Genome position (GRCh38, 1-based): chr16:29,799,132, C>T. VCF-style: chr16-29799132-C-T. GRCh37 (hg19) VCF-style: chr16-29810453-C-T.
Other names: c.503C>T, p.Ala168Val (NM_001256269.2, NM_001256270.1); short protein forms A168V, A236V.
Identifiers: ClinVar variation 3774912 (VCV003774912.2).
Genomic context (GRCh38, chr16:29,799,132, plus strand): 5'-GTAGCTTTGCTGATTTTGAGCGGCACTTCCTGCCAGCCAGTCGAAATCGGACTGTAGGAG[C>T]CACCCGGCTCAACCAGCGCTCCTCCCGCAGTCATGCTGTGCTCCTGGTCAAGGTGAGGCC-3'
Protein context (NP_015556.1, residues 226-246): LPASRNRTVG[Ala236Val]TRLNQRSSRS

ClinVar aggregate classification (germline): Uncertain significance (1 of 4 stars; one submission).

Submission:

GeneDx
Classification: Uncertain significance. Last evaluated: 2025-04-30. Review status: criteria provided, single submitter. Criteria: GeneDx Variant Classification Process June 2021. Collection method: clinical testing. Allele origin: germline.
Comment: Not observed at significant frequency in large population cohorts (gnomAD); In silico analysis supports that this missense variant has a deleterious effect on protein structure/function; Has not been previously published as pathogenic or benign to our knowledge